The following is an entry in ClinVar:

NM_014243.3(ADAMTS3):c.1379C>T (p.Pro460Leu)

Gene: ADAMTS3 (ADAM metallopeptidase with thrombospondin type 1 motif 3; minus strand). Cytogenetic location: 4q13.3.
Variant type: single nucleotide variant.
Coding change: c.1379C>T on transcript NM_014243.3 (MANE Select); coding-DNA position 1379, C replaced by T.
Protein change: p.Pro460Leu; replaces proline 460 with leucine.
Molecular consequence: missense variant.
Genome position (GRCh38, 1-based): chr4:72,318,678, G>A on the plus strand (C>T on the coding strand, the complement: ADAMTS3 is on the minus strand). VCF-style: chr4-72318678-G-A. GRCh37 (hg19) VCF-style: chr4-73184395-G-A.
Other names: short protein forms P460L.
Identifiers: ClinVar variation 3029401 (VCV003029401.2), dbSNP rs756853314, ClinGen allele CA2956967.

ClinVar aggregate classification (germline): Uncertain significance (0 of 4 stars; one submission).

Conditions:
ADAMTS3-related disorder. Also called: ADAMTS3-related condition.

Allele frequency attached by ClinVar (database versions not stated): TOPMed below 0.00001; ExAC 0.00002; gnomAD 0.00002.
gnomAD v4.1: 36 of 1,613,430 alleles (0.0022%); highest among the groups gnomAD compares: Non-Finnish European, 0.0027%; no homozygotes.

Submission:

PreventionGenetics, part of Exact Sciences
Classification: Uncertain significance for ADAMTS3-related condition. Last evaluated: 2024-02-13. Review status: no assertion criteria provided. Collection method: clinical testing. Allele origin: germline.
Comment: The ADAMTS3 c.1379C>T variant is predicted to result in the amino acid substitution p.Pro460Leu. To our knowledge, this variant has not been reported in the literature. This variant is reported in 0.0053% of alleles in individuals of European (Non-Finnish) descent in gnomAD. At this time, the clinical significance of this variant is uncertain due to the absence of conclusive functional and genetic evidence.